The following is an entry in ClinVar:

NM_000377.3(WAS):c.947C>A (p.Pro316His)

Gene: WAS (WASP actin nucleation promoting factor; plus strand). Cytogenetic location: Xp11.23.
Variant type: single nucleotide variant.
Coding change: c.947C>A on transcript NM_000377.3 (MANE Select); coding-DNA position 947, C replaced by A.
Protein change: p.Pro316His; replaces proline 316 with histidine.
Molecular consequence: missense variant.
Genome position (GRCh38, 1-based): chrX:48,688,675, C>A. VCF-style: chrX-48688675-C-A. GRCh37 (hg19) VCF-style: chrX-48547064-C-A.
Other names: short protein forms P316H.
Identifiers: ClinVar variation 1423288 (VCV001423288.5), dbSNP rs2147266241, ClinGen allele CA412872701.

ClinVar aggregate classification (germline): Uncertain significance (1 of 4 stars; one submission).

Conditions:
Thrombocytopenia 1. Also called: X-linked thrombocytopenia with normal platelets; X-Linked Thrombocytopenia (XLT); THROMBOCYTOPENIA, X-LINKED, 1. Identifiers: Orphanet 268322, Orphanet 852, MedGen C1839163, MONDO:0010743, OMIM 313900.
Wiskott-Aldrich syndrome (WAS). Also called: WISKOTT-ALDRICH SYNDROME 1; ALDRICH SYNDROME; IMMUNODEFICIENCY 2; Wiskott-aldrich syndrome, somatic. Identifiers: Orphanet 906, MedGen C0043194, MONDO:0010518, OMIM 301000.
X-linked severe congenital neutropenia (SCNX). Identifiers: Orphanet 86788, MedGen C1845987, MONDO:0010294, OMIM 300299.

Submission:

Labcorp Genetics (formerly Invitae), Labcorp
Classification: Uncertain significance for Wiskott-Aldrich syndrome; X-linked severe congenital neutropenia; Thrombocytopenia 1. Last evaluated: 2021-09-09. Review status: criteria provided, single submitter. Criteria: Invitae Variant Classification Sherloc (09022015). Collection method: clinical testing. Allele origin: germline.
Comment: In summary, the available evidence is currently insufficient to determine the role of this variant in disease. Therefore, it has been classified as a Variant of Uncertain Significance. Algorithms developed to predict the effect of missense changes on protein structure and function are either unavailable or do not agree on the potential impact of this missense change (SIFT: "Not Available"; PolyPhen-2: "Probably Damaging"; Align-GVGD: "Not Available"). This sequence change replaces proline with histidine at codon 316 of the WAS protein (p.Pro316His). The proline residue is moderately conserved and there is a moderate physicochemical difference between proline and histidine. This variant is not present in population databases (ExAC no frequency). This variant has not been reported in the literature in individuals affected with WAS-related conditions.